The following is an entry in ClinVar:

ClinVar aggregate classification (germline): Uncertain significance. Review status: criteria provided, multiple submitters, no conflicts (2 of 4 stars). 2 submissions from 2 submitters: Uncertain significance (2). Last evaluated 2024-07-29.

Conditions:
Inborn genetic diseases. Identifiers: MedGen C0950123, MeSH D030342.
Autosomal dominant Parkinson disease 8. Also called: LRRK2-Related Parkinson Disease; Parkinson disease 8; Parkinson disease 8, susceptibility to. Identifiers: Orphanet 411602, MedGen C1846862, MONDO:0011764, OMIM 607060.

Submissions (2):

Labcorp Genetics (formerly Invitae), Labcorp
Classification: Uncertain significance for Autosomal dominant Parkinson disease 8. Last evaluated: 2024-07-29. Review status: criteria provided, single submitter. Criteria: Invitae Variant Classification Sherloc (09022015). Collection method: clinical testing. Allele origin: germline.
Comment: This sequence change replaces phenylalanine, which is neutral and non-polar, with cysteine, which is neutral and slightly polar, at codon 1401 of the LRRK2 protein (p.Phe1401Cys). This variant is not present in population databases (gnomAD no frequency). This variant has not been reported in the literature in individuals affected with LRRK2-related conditions. Advanced modeling of protein sequence and biophysical properties (such as structural, functional, and spatial information, amino acid conservation, physicochemical variation, residue mobility, and thermodynamic stability) performed at Invitae indicates that this missense variant is not expected to disrupt LRRK2 protein function with a negative predictive value of 80%. In summary, the available evidence is currently insufficient to determine the role of this variant in disease. Therefore, it has been classified as a Variant of Uncertain Significance.

Ambry Genetics
Classification: Uncertain significance for Inborn genetic diseases. Last evaluated: 2024-04-28. Review status: criteria provided, single submitter. Criteria: Ambry Variant Classification Scheme 2023. Collection method: clinical testing. Allele origin: germline.
Comment: The p.F1401C variant (also known as c.4202T>G), located in coding exon 30 of the LRRK2 gene, results from a T to G substitution at nucleotide position 4202. The phenylalanine at codon 1401 is replaced by cysteine, an amino acid with highly dissimilar properties. This amino acid position is conserved. In addition, this alteration is predicted to be deleterious by in silico analysis. Based on the available evidence, the clinical significance of this variant remains unclear.

NM_198578.4(LRRK2):c.4202T>G (p.Phe1401Cys)

Gene: LRRK2 (leucine rich repeat kinase 2; plus strand). Cytogenetic location: 12q12.
Variant type: single nucleotide variant.
Coding change: c.4202T>G on transcript NM_198578.4 (MANE Select); coding-DNA position 4202, T replaced by G.
Protein change: p.Phe1401Cys; replaces phenylalanine 1401 with cysteine.
Molecular consequence: missense variant.
Genome position (GRCh38, 1-based): chr12:40,309,118, T>G. VCF-style: chr12-40309118-T-G. GRCh37 (hg19) VCF-style: chr12-40702920-T-G.
Other names: short protein forms F1401C.
Identifiers: ClinVar variation 3291873 (VCV003291873.3).